The following is an entry in ClinVar:

ClinVar aggregate classification (germline): Uncertain significance (0 of 4 stars; one submission).

Conditions:
CHD4-related disorder. Also called: CHD4-related condition.

Submission:

PreventionGenetics, part of Exact Sciences
Classification: Uncertain significance for CHD4-related condition. Last evaluated: 2024-09-11. Review status: no assertion criteria provided. Collection method: clinical testing. Allele origin: germline.
Comment: The CHD4 c.1A>T variant is predicted to disrupt the translation initiation site (Start Loss). To our knowledge, this variant has not been reported in the literature or in a large population database, indicating this variant is rare. Another methionine residue is located downstream of the c.1A>T variant in the same exon. At this time, the clinical significance of this variant is uncertain due to the absence of conclusive functional and genetic evidence.

NM_001273.5(CHD4):c.1A>T (p.Met1Leu)

Gene: CHD4 (chromodomain helicase DNA binding protein 4; minus strand). Cytogenetic location: 12p13.31.
Variant type: single nucleotide variant.
Coding change: c.1A>T on transcript NM_001273.5 (MANE Select); coding-DNA position 1, A replaced by T.
Protein change: p.Met1Leu; changes the start codon (methionine 1).
Molecular consequence: missense variant, initiator codon variant.
Genome position (GRCh38, 1-based): chr12:6,606,373, T>A on the plus strand (A>T on the coding strand, the complement: CHD4 is on the minus strand). VCF-style: chr12-6606373-T-A. GRCh37 (hg19) VCF-style: chr12-6715539-T-A.
Other names: c.1A>T, p.Met1Leu (NM_001297553.2, NM_001363606.2); short protein forms M1L.
Identifiers: ClinVar variation 3354189 (VCV003354189.1).